The following is an entry in ClinVar:

ClinVar aggregate classification (germline): Uncertain significance (1 of 4 stars; one submission).

Submission:

Labcorp Genetics (formerly Invitae), Labcorp
Classification: Uncertain significance. Last evaluated: 2022-07-05. Review status: criteria provided, single submitter. Criteria: Invitae Variant Classification Sherloc (09022015). Collection method: clinical testing. Allele origin: germline.
Comment: Algorithms developed to predict the effect of missense changes on protein structure and function are either unavailable or do not agree on the potential impact of this missense change (SIFT: "Deleterious"; PolyPhen-2: "Probably Damaging"; Align-GVGD: "Class C0"). In summary, the available evidence is currently insufficient to determine the role of this variant in disease. Therefore, it has been classified as a Variant of Uncertain Significance. ClinVar contains an entry for this variant (Variation ID: 1054071). This variant has not been reported in the literature in individuals affected with USH2A-related conditions. This variant is not present in population databases (gnomAD no frequency). This sequence change replaces asparagine, which is neutral and polar, with histidine, which is basic and polar, at codon 3480 of the USH2A protein (p.Asn3480His).

NM_206933.4(USH2A):c.10438A>C (p.Asn3480His)

Gene: USH2A (usherin; minus strand). Cytogenetic location: 1q41.
Variant type: single nucleotide variant.
Coding change: c.10438A>C on transcript NM_206933.4 (MANE Select); coding-DNA position 10438, A replaced by C.
Protein change: p.Asn3480His; replaces asparagine 3480 with histidine.
Molecular consequence: missense variant.
Genome position (GRCh38, 1-based): chr1:215,782,885, T>G on the plus strand (A>C on the coding strand, the complement: USH2A is on the minus strand). VCF-style: chr1-215782885-T-G. GRCh37 (hg19) VCF-style: chr1-215956227-T-G.
Other names: short protein forms N3480H.
Identifiers: ClinVar variation 1054071 (VCV001054071.10), dbSNP rs2102763603, ClinGen allele CA344837999.